The following is an entry in ClinVar:

ClinVar aggregate classification (germline): Uncertain significance. Review status: criteria provided, multiple submitters, no conflicts (2 of 4 stars). 2 submissions from 2 submitters: Uncertain significance (2). Last evaluated 2026-04-17.

Conditions:
Inborn genetic diseases. Identifiers: MedGen C0950123, MeSH D030342.
Autosomal recessive nonsyndromic hearing loss 77. Identifiers: Orphanet 90636, MedGen C2746083, MONDO:0013119, OMIM 613079.

Allele frequency attached by ClinVar (database versions not stated): gnomAD 0.00001 and 0.00005; TOPMed 0.00003; gnomAD exomes 0.00007 and 0.00015; 1000 Genomes Project 30x 0.00016; 1000 Genomes Project 0.00020; ExAC 0.00055.
gnomAD v4.1: 106 of 1,551,532 alleles (0.0068%); highest among the groups gnomAD compares: South Asian, 0.1%; no homozygotes.

Submissions (2):

Myriad Genetics, Inc.
Classification: Uncertain significance for Autosomal recessive nonsyndromic hearing loss 77. Last evaluated: 2026-04-17. Review status: criteria provided, single submitter. Criteria: Myriad Autosomal Dominant, Autosomal Recessive and X-Linked Classification Criteria (2023). Collection method: clinical testing. Allele origin: unknown.
Comment: NM_144612.6(LOXHD1):c.5047G>A(V1683I) is a missense variant classified as a variant of uncertain significance in the context of nonsyndromic hearing loss, LOXHD1-related. V1683I has been observed in a case with relevant disease (PMID: 40070250). Relevant functional assessments of this variant are not available in the literature. V1683I has been observed in referenced population frequency databases. In summary, there is insufficient evidence to classify NM_144612.6(LOXHD1):c.5047G>A(V1683I) as pathogenic or benign. Please note: this variant was assessed in the context of healthy population screening.

Ambry Genetics
Classification: Uncertain significance for Inborn genetic diseases. Last evaluated: 2025-02-05. Review status: criteria provided, single submitter. Criteria: Ambry Variant Classification Scheme 2023. Collection method: clinical testing. Allele origin: germline.

Literature cited by the submitters: PubMed 40070250 (cited by Myriad Genetics, Inc.).

NM_001384474.1(LOXHD1):c.5047G>A (p.Val1683Ile)

Gene: LOXHD1 (lipoxygenase homology PLAT domains 1; minus strand). Cytogenetic location: 18q21.1.
Variant type: single nucleotide variant.
Coding change: c.5047G>A on transcript NM_001384474.1 (MANE Select); coding-DNA position 5047, G replaced by A.
Protein change: p.Val1683Ile; replaces valine 1683 with isoleucine.
Molecular consequence: missense variant.
Genome position (GRCh38, 1-based): chr18:46,522,139, C>T on the plus strand (G>A on the coding strand, the complement: LOXHD1 is on the minus strand). VCF-style: chr18-46522139-C-T. GRCh37 (hg19) VCF-style: chr18-44102102-C-T.
Other names: c.1714G>A, p.Val572Ile (NM_001145472.3); c.1426G>A, p.Val476Ile (NM_001308013.2); c.5047G>A, p.Val1683Ile (NM_144612.7); short protein forms V1683I, V476I, V572I.
Identifiers: ClinVar variation 326836 (VCV000326836.7), dbSNP rs571616553, ClinGen allele CA8952263.